The following is an entry in ClinVar:

ClinVar aggregate classification (germline): Uncertain significance. Review status: criteria provided, multiple submitters, no conflicts (2 of 4 stars). 2 submissions from 2 submitters: Uncertain significance (2). Last evaluated 2024-06-13.

Conditions:
Bethlem myopathy 1A. Also called: Bethlem myopathy 1; MYOPATHY, BENIGN CONGENITAL, WITH CONTRACTURES; Bethlem Muscular Dystrophy. Identifiers: Orphanet 610, MedGen CN029274, MONDO:0024530, OMIM 158810.

Allele frequency attached by ClinVar (database versions not stated): gnomAD exomes below 0.00001.

Submissions (2):

Labcorp Genetics (formerly Invitae), Labcorp
Classification: Uncertain significance for Bethlem myopathy 1A. Last evaluated: 2024-06-13. Review status: criteria provided, single submitter. Criteria: Invitae Variant Classification Sherloc (09022015). Collection method: clinical testing. Allele origin: germline.
Comment: This sequence change replaces cysteine, which is neutral and slightly polar, with tyrosine, which is neutral and polar, at codon 607 of the COL6A1 protein (p.Cys607Tyr). This variant is not present in population databases (gnomAD no frequency). This variant has not been reported in the literature in individuals affected with COL6A1-related conditions. ClinVar contains an entry for this variant (Variation ID: 283022). Advanced modeling of protein sequence and biophysical properties (such as structural, functional, and spatial information, amino acid conservation, physicochemical variation, residue mobility, and thermodynamic stability) has been performed at Invitae for this missense variant, however the output from this modeling did not meet the statistical confidence thresholds required to predict the impact of this variant on COL6A1 protein function. In summary, the available evidence is currently insufficient to determine the role of this variant in disease. Therefore, it has been classified as a Variant of Uncertain Significance.

Eurofins Ntd Llc (ga)
Classification: Uncertain significance. Last evaluated: 2015-09-03. Review status: criteria provided, single submitter. Criteria: EGL Classification Definitions 2015. Collection method: clinical testing. Allele origin: germline. Observed: 1 variant allele, 1 heterozygote.

NM_001848.3(COL6A1):c.1820G>A (p.Cys607Tyr)

Gene: COL6A1 (collagen type VI alpha 1 chain; plus strand). Cytogenetic location: 21q22.3.
Variant type: single nucleotide variant.
Coding change: c.1820G>A on transcript NM_001848.3 (MANE Select); coding-DNA position 1820, G replaced by A.
Protein change: p.Cys607Tyr; replaces cysteine 607 with tyrosine.
Molecular consequence: missense variant.
Genome position (GRCh38, 1-based): chr21:46,000,765, G>A. VCF-style: chr21-46000765-G-A. GRCh37 (hg19) VCF-style: chr21-47420679-G-A.
Other names: short protein forms C607Y.
Identifiers: ClinVar variation 283022 (VCV000283022.7), dbSNP rs886042538, ClinGen allele CA10604373.